The following is an entry in ClinVar:

ClinVar aggregate classification (germline): Likely benign. Review status: criteria provided, multiple submitters, no conflicts (2 of 4 stars). 3 submissions from 3 submitters: Likely benign (3). Last evaluated 2025-09-25.

Conditions:
CDHR1-related disorder. Also called: CDHR1-related condition.

Allele frequency attached by ClinVar (database versions not stated): gnomAD 0.00002 and 0.00003; TOPMed 0.00003; gnomAD exomes 0.00004; ExAC 0.00005; 1000 Genomes Project 30x 0.00016; 1000 Genomes Project 0.00020.
gnomAD v4.1: 71 of 1,614,202 alleles (0.0044%); highest among the groups gnomAD compares: East Asian, 0.016%; no homozygotes.

Submissions (3):

PreventionGenetics, part of Exact Sciences
Classification: Likely benign for CDHR1-related condition. Last evaluated: 2025-09-25. Review status: criteria provided, single submitter. Criteria: ACMG Guidelines, 2015. Collection method: clinical testing. Allele origin: germline.
Comment: This variant is classified as likely benign based on ACMG/AMP sequence variant interpretation guidelines (Richards et al. 2015 PMID: 25741868, with internal and published modifications).

Labcorp Genetics (formerly Invitae), Labcorp
Classification: Likely benign. Last evaluated: 2024-09-16. Review status: criteria provided, single submitter. Criteria: Invitae Variant Classification Sherloc (09022015). Collection method: clinical testing. Allele origin: germline.

Blueprint Genetics
Classification: Likely benign. Last evaluated: 2022-08-22. Review status: criteria provided, single submitter. Criteria: ACMG Guidelines, 2015. Collection method: clinical testing. Allele origin: germline.

NM_033100.4(CDHR1):c.1791C>T (p.Asp597=)

Gene: CDHR1 (cadherin related family member 1; plus strand). Cytogenetic location: 10q23.1.
Variant type: single nucleotide variant.
Coding change: c.1791C>T on transcript NM_033100.4 (MANE Select); coding-DNA position 1791, C replaced by T.
Protein change: p.Asp597=; no amino-acid change (aspartic acid 597 retained).
Molecular consequence: synonymous variant.
Genome position (GRCh38, 1-based): chr10:84,213,099, C>T. VCF-style: chr10-84213099-C-T. GRCh37 (hg19) VCF-style: chr10-85972855-C-T.
Other names: c.1791C>T (NM_033100.3); c.1791C>T, p.Asp597= (NM_001171971.3).
Identifiers: ClinVar variation 1642900 (VCV001642900.10), dbSNP rs568333300, ClinGen allele CA5580059.
Genomic context (GRCh38, chr10:84,213,099, plus strand): 5'-ACACAAGGATTGTCCCCAAAGCCCAGCTCTGTCTGTCTCTCCCTGCGCACAGGCCATAGA[C>T]GAGGATGCAGAGGAACCCAACAACCTGGTGGACTATTCCATCACCCATGCAGAGCCCGCC-3'
Protein context (NP_149091.1, residues 587-607): LGTPVKIEAI[Asp597=]EDAEEPNNLV